The following is an entry in ClinVar:

NM_001378457.1(DMXL2):c.2274T>C (p.Asn758=)

Gene: DMXL2 (Dmx like 2; minus strand). Cytogenetic location: 15q21.2.
Variant type: single nucleotide variant.
Coding change: c.2274T>C on transcript NM_001378457.1 (MANE Select); coding-DNA position 2274, T replaced by C.
Protein change: p.Asn758=; no amino-acid change (asparagine 758 retained).
Molecular consequence: synonymous variant. On other transcripts: non-coding transcript variant (2).
Genome position (GRCh38, 1-based): chr15:51,536,206, A>G on the plus strand (T>C on the coding strand, the complement: DMXL2 is on the minus strand). VCF-style: chr15-51536206-A-G. GRCh37 (hg19) VCF-style: chr15-51828403-A-G.
Other names: c.2274T>C, p.Asn758= (NM_001174116.3, NM_001174117.3, NM_001378458.1 and 6 more transcripts); c.2034T>C, p.Asn678= (NM_001378464.1).
Identifiers: ClinVar variation 1969219 (VCV001969219.11), dbSNP rs2048279399, ClinGen allele CA490598040.
Genomic context (GRCh38, chr15:51,536,206, plus strand): 5'-CAATTACAATGAACACTTACCTAGACAGTAACTGGGAATGAGAGTTGGAAGCCAAGCCAC[A>G]TTAGAGAACGCTGAGGTATGTAAAGAGTTAATTCGAGCCAATTCTGATACTCCTCCAGTG-3'
Protein context (NP_001365386.1, residues 748-768): INSLHTSAFS[Asn758=]VAWLPTLIPS

ClinVar aggregate classification (germline): Likely benign. Review status: criteria provided, multiple submitters, no conflicts (2 of 4 stars). 2 submissions from 2 submitters: Likely benign (2). Last evaluated 2025-11-01.

Allele frequency attached by ClinVar (database versions not stated): gnomAD exomes below 0.00001; TOPMed below 0.00001.
gnomAD v4.1: 2 of 1,606,608 alleles (0.00012%); highest among the groups gnomAD compares: Admixed American, 0.0034%; no homozygotes.

Submissions (2):

CeGaT Center for Human Genetics Tuebingen
Classification: Likely benign. Last evaluated: 2025-11-01. Review status: criteria provided, single submitter. Criteria: CeGaT Center For Human Genetics Tuebingen Variant Classification Criteria Version 2. Collection method: clinical testing. Allele origin: germline. Affected: yes. Observed: 1 variant allele.
Comment: DMXL2: BP4, BP7

Labcorp Genetics (formerly Invitae), Labcorp
Classification: Likely benign. Last evaluated: 2025-06-17. Review status: criteria provided, single submitter. Criteria: Invitae Variant Classification Sherloc (09022015). Collection method: clinical testing. Allele origin: germline.